The following is an entry in ClinVar:

ClinVar aggregate classification (germline): Benign. Review status: criteria provided, multiple submitters, no conflicts (2 of 4 stars). 5 submissions from 4 submitters: Benign (5). Last evaluated 2018-08-17.

Conditions:
Charcot-Marie-Tooth disease type 2. Also called: Charcot-Marie-Tooth type 2. Identifiers: Orphanet 64746, MedGen C0270914, MONDO:0018993.
Hereditary motor and sensory neuropathy with optic atrophy. Also called: PERIPHERAL NEUROPATHY AND OPTIC ATROPHY; CHARCOT-MARIE-TOOTH DISEASE, TYPE 6. Identifiers: Orphanet 90120, MedGen C0393807, MONDO:0019551.

Allele frequency attached by ClinVar (database versions not stated): gnomAD 0.71104 and 0.71002; gnomAD exomes 0.66802; TOPMed 0.70119; ESP Exome Variant Server 0.70915; 1000 Genomes Project 30x 0.73142; 1000 Genomes Project 0.73243.
gnomAD v4.1: 1,067,423 of 1,587,626 alleles (67%); highest among the groups gnomAD compares: African/African-American, 85%; 361,741 homozygotes.

Submissions (5):

ARUP Laboratories, Molecular Genetics and Genomics, ARUP Laboratories
Classification: Benign. Last evaluated: 2018-08-17. Review status: criteria provided, single submitter. Criteria: ARUP Molecular Germline Variant Investigation Process. Collection method: clinical testing. Allele origin: germline.

GeneDx
Classification: Benign. Last evaluated: 2018-06-25. Review status: criteria provided, single submitter. Criteria: GeneDx Variant Classification Process June 2021. Collection method: clinical testing. Allele origin: germline. Affected: yes.

Illumina Laboratory Services, Illumina
Classification: Benign for Neuropathy, hereditary motor and sensory, type 6A. Last evaluated: 2018-01-12. Review status: criteria provided, single submitter. Criteria: ICSL Variant Classification Criteria 13 December 2019. Collection method: clinical testing. Allele origin: germline.
Comment: This variant was observed in the ICSL laboratory as part of a predisposition screen in an ostensibly healthy population. It had not been previously curated by ICSL or reported in the Human Gene Mutation Database (HGMD: prior to June 1st, 2018), and was therefore a candidate for classification through an automated scoring system. Utilizing variant allele frequency, disease prevalence and penetrance estimates, and inheritance mode, an automated score was calculated to assess if this variant is too frequent to cause the disease. Based on the score and internal cut-off values, a variant classified as benign is not then subjected to further curation. The score for this variant resulted in a classification of benign for this disease.

Illumina Laboratory Services, Illumina
Classification: Benign for Charcot-Marie-Tooth disease, type 2. Last evaluated: 2018-01-12. Review status: criteria provided, single submitter. Criteria: ICSL Variant Classification Criteria 13 December 2019. Collection method: clinical testing. Allele origin: germline.
Comment: the same text as in the submission from Illumina Laboratory Services, Illumina above.

Breakthrough Genomics
Classification: Benign. Review status: criteria provided, single submitter. Criteria: ACMG Guidelines, 2015. Collection method: not provided. Allele origin: germline. Inheritance: Autosomal recessive inheritance. Affected: yes.

NM_014874.4(MFN2):c.*58A>G

Gene: MFN2 (mitofusin 2; plus strand). Cytogenetic location: 1p36.22.
Variant type: single nucleotide variant.
Coding change: c.*58A>G on transcript NM_014874.4 (MANE Select); 58 bases downstream of the stop codon, A replaced by G.
Molecular consequence: 3 prime UTR variant.
Genome position (GRCh38, 1-based): chr1:12,011,623, A>G. VCF-style: chr1-12011623-A-G. GRCh37 (hg19) VCF-style: chr1-12071680-A-G.
Other names: c.*58A>G (NM_001127660.2).
Identifiers: ClinVar variation 292381 (VCV000292381.15), dbSNP rs1042842, ClinGen allele CA10607564.
Genomic context (GRCh38, chr1:12,011,623, plus strand): 5'-TAGTGGGCACCTGAGGCGGAGTCTGCGTGGAGAGGGGCGGTGCTGCCAGCCCTAAGTGCC[A>G]TGTGGGCTCCCCCAGGGGCACGTGTGGCTCCTGCCCCCTGGCCACTGCCAAGAGAATGAA-3'